The following is an entry in ClinVar:

ClinVar aggregate classification (germline): Uncertain significance (1 of 4 stars; one submission).

Conditions:
Neuromuscular disease caused by qualitative or quantitative defects of dysferlin. Also called: Dysferlinopathy; Qualitative or quantitative defects of dysferlin. Identifiers: Orphanet 207073, MedGen C2931687, MONDO:0016145.

Allele frequency attached by ClinVar (database versions not stated): ExAC 0.00001; TOPMed 0.00001; gnomAD exomes 0.00003; ESP Exome Variant Server 0.00015.
gnomAD v4.1: 42 of 1,614,004 alleles (0.0026%); highest among the groups gnomAD compares: Non-Finnish European, 0.0032%; no homozygotes.

Submission:

Labcorp Genetics (formerly Invitae), Labcorp
Classification: Uncertain significance for Neuromuscular disease caused by qualitative or quantitative defects of dysferlin. Last evaluated: 2022-02-20. Review status: criteria provided, single submitter. Criteria: Invitae Variant Classification Sherloc (09022015). Collection method: clinical testing. Allele origin: germline.
Comment: This sequence change replaces asparagine, which is neutral and polar, with threonine, which is neutral and polar, at codon 1324 of the DYSF protein (p.Asn1324Thr). This variant is present in population databases (rs368907398, gnomAD 0.0009%). This variant has not been reported in the literature in individuals affected with DYSF-related conditions. Advanced modeling of protein sequence and biophysical properties (such as structural, functional, and spatial information, amino acid conservation, physicochemical variation, residue mobility, and thermodynamic stability) performed at Invitae indicates that this missense variant is not expected to disrupt DYSF protein function. In summary, the available evidence is currently insufficient to determine the role of this variant in disease. Therefore, it has been classified as a Variant of Uncertain Significance.

NM_001130987.2(DYSF):c.4025A>C (p.Asn1342Thr)

Gene: DYSF (dysferlin; plus strand). Cytogenetic location: 2p13.2.
Variant type: single nucleotide variant.
Coding change: c.4025A>C on transcript NM_001130987.2 (MANE Select); coding-DNA position 4025, A replaced by C.
Protein change: p.Asn1342Thr; replaces asparagine 1342 with threonine.
Molecular consequence: missense variant.
Genome position (GRCh38, 1-based): chr2:71,611,312, A>C. VCF-style: chr2-71611312-A-C. GRCh37 (hg19) VCF-style: chr2-71838442-A-C.
Other names: c.3974A>C, p.Asn1325Thr (NM_001130455.2, NM_001130983.2); c.3929A>C, p.Asn1310Thr (NM_001130976.2, NM_001130977.2); c.3971A>C, p.Asn1324Thr (NM_001130978.2, NM_003494.4); c.4064A>C, p.Asn1355Thr (NM_001130979.2); c.4022A>C, p.Asn1341Thr (NM_001130980.2, NM_001130981.2); c.4067A>C, p.Asn1356Thr (NM_001130982.2); c.3932A>C, p.Asn1311Thr (NM_001130984.2, NM_001130986.2); c.4025A>C, p.Asn1342Thr (NM_001130985.2); short protein forms N1311T, N1324T, N1356T, N1310T, N1325T, N1342T, N1355T, N1341T.
Identifiers: ClinVar variation 2194160 (VCV002194160.1), dbSNP rs368907398, ClinGen allele CA1706841.